The following is an entry in ClinVar:

ClinVar aggregate classification (germline): Likely benign. Review status: criteria provided, multiple submitters, no conflicts (2 of 4 stars). 2 submissions from 2 submitters: Likely benign (2). Last evaluated 2026-01-17.

Conditions:
FAM161A-related disorder. Also called: FAM161A-related condition.

Allele frequency attached by ClinVar (database versions not stated): ExAC 0.00004; gnomAD exomes 0.00004 and 0.00011; gnomAD 0.00005 and 0.00006; TOPMed 0.00006.
gnomAD v4.1: 171 of 1,602,432 alleles (0.011%); highest among the groups gnomAD compares: Non-Finnish European, 0.014%; no homozygotes.

Submissions (2):

Labcorp Genetics (formerly Invitae), Labcorp
Classification: Likely benign. Last evaluated: 2026-01-17. Review status: criteria provided, single submitter. Criteria: Invitae Variant Classification Sherloc (09022015). Collection method: clinical testing. Allele origin: germline.

PreventionGenetics, part of Exact Sciences
Classification: Likely benign for FAM161A-related condition. Last evaluated: 2025-09-10. Review status: criteria provided, single submitter. Criteria: ACMG Guidelines, 2015. Collection method: clinical testing. Allele origin: germline.
Comment: This variant is classified as likely benign based on ACMG/AMP sequence variant interpretation guidelines (Richards et al. 2015 PMID: 25741868, with internal and published modifications).

NM_001201543.2(FAM161A):c.1746T>C (p.Cys582=)

Gene: FAM161A (FAM161 centrosomal protein A; minus strand). Cytogenetic location: 2p15.
Variant type: single nucleotide variant.
Coding change: c.1746T>C on transcript NM_001201543.2 (MANE Select); coding-DNA position 1746, T replaced by C.
Protein change: p.Cys582=; no amino-acid change (cysteine 582 retained).
Molecular consequence: synonymous variant. On other transcripts: intron variant (1).
Genome position (GRCh38, 1-based): chr2:61,838,543, A>G on the plus strand (T>C on the coding strand, the complement: FAM161A is on the minus strand). VCF-style: chr2-61838543-A-G. GRCh37 (hg19) VCF-style: chr2-62065678-A-G.
Other names: c.1583+878T>C (NM_032180.3).
Identifiers: ClinVar variation 753758 (VCV000753758.11), dbSNP rs766841876, ClinGen allele CA1679058.